The following is an entry in ClinVar:

ClinVar aggregate classification (germline): Benign. Review status: criteria provided, multiple submitters, no conflicts (2 of 4 stars). 6 submissions from 6 submitters: Benign (6). Last evaluated 2026-02-04.

Conditions:
Neurodevelopmental disorder with seizures and nonepileptic hyperkinetic movements. Identifiers: MedGen C5193128, MONDO:0032784, OMIM 618497.

Allele frequency attached by ClinVar (database versions not stated): 1000 Genomes Project 0.91074; 1000 Genomes Project 30x 0.91224; TOPMed 0.91863; ESP Exome Variant Server 0.92700.
gnomAD v4.1: 1,456,436 of 1,613,064 alleles (90%); highest among the groups gnomAD compares: African/African-American, 96%; 658,234 homozygotes.

Submissions (6):

Labcorp Genetics (formerly Invitae), Labcorp
Classification: Benign. Last evaluated: 2026-02-04. Review status: criteria provided, single submitter. Criteria: Invitae Variant Classification Sherloc (09022015). Collection method: clinical testing. Allele origin: germline.

Blueprint Genetics
Classification: Benign. Last evaluated: 2024-11-27. Review status: criteria provided, single submitter. Criteria: ACMG Guidelines, 2015. Collection method: clinical testing. Allele origin: germline.

Unidad de Genómica Garrahan, Hospital de Pediatría Garrahan
Classification: Benign. Last evaluated: 2024-07-31. Review status: criteria provided, single submitter. Criteria: ACMG Guidelines, 2015. Collection method: clinical testing. Allele origin: germline. Affected: no. Observed: 91 variant alleles.
Comment: This variant is classified as Benign based on local population frequency. This variant was detected in 98% of patients studied in a panel designed for Epileptic and Developmental Encephalopathy, Progressive Myoclonus Epilepsy and Abnormal Movements and Neurodegeneration with brain iron accumulation. Number of patients: 91. Only high quality variants are reported.

Genome-Nilou Lab
Classification: Benign for Neurodevelopmental disorder with seizures and nonepileptic hyperkinetic movements. Last evaluated: 2021-07-14. Review status: criteria provided, single submitter. Criteria: ACMG Guidelines, 2015. Collection method: clinical testing. Allele origin: germline. Affected: no.

GeneDx
Classification: Benign. Last evaluated: 2021-04-06. Review status: criteria provided, single submitter. Criteria: GeneDx Variant Classification Process June 2021. Collection method: clinical testing. Allele origin: germline. Affected: yes.

Breakthrough Genomics
Classification: Benign. Review status: criteria provided, single submitter. Criteria: ACMG Guidelines, 2015. Collection method: not provided. Allele origin: germline. Inheritance: Autosomal recessive inheritance. Affected: yes.

NM_000718.4(CACNA1B):c.6831T>G (p.Thr2277=)

Gene: CACNA1B (calcium voltage-gated channel subunit alpha1 B; plus strand). Cytogenetic location: 9q34.3.
Variant type: single nucleotide variant.
Coding change: c.6831T>G on transcript NM_000718.4 (MANE Select); coding-DNA position 6831, T replaced by G.
Protein change: p.Thr2277=; no amino-acid change (threonine 2277 retained).
Molecular consequence: synonymous variant. On other transcripts: missense variant (1).
Genome position (GRCh38, 1-based): chr9:138,121,810, T>G. VCF-style: chr9-138121810-T-G. GRCh37 (hg19) VCF-style: chr9-141016262-T-G.
Other names: c.6644T>G, p.Leu2215Arg (NM_001243812.2); short protein forms L2215R.
Identifiers: ClinVar variation 1192559 (VCV001192559.16), dbSNP rs2278973, ClinGen allele CA5377814.
Genomic context (GRCh38, chr9:138,121,810, plus strand): 5'-CCCTTACCTGGGGCAGCGTCTGGACAGTGAGGCCTCTGTCCACGCCCTGCCTGAGGACAC[T>G]CTCACTTTCGAGGAGGCTGTGGCCACCAACTCGGGCCGCTCCTCCAGGACTTCCTACGTG-3'
Protein context (NP_000709.1, residues 2267-2287): EASVHALPED[Thr2277=]LTFEEAVATN